The following is an entry in ClinVar:

ClinVar aggregate classification (germline): Uncertain significance (1 of 4 stars; one submission).

Allele frequency attached by ClinVar (database versions not stated): gnomAD exomes below 0.00001; gnomAD 0.00001; TOPMed 0.00001.
gnomAD v4.1: 4 of 1,613,408 alleles (0.00025%); highest among the groups gnomAD compares: Admixed American, 0.0017%; no homozygotes.

Submission:

Labcorp Genetics (formerly Invitae), Labcorp
Classification: Uncertain significance. Last evaluated: 2024-09-05. Review status: criteria provided, single submitter. Criteria: Invitae Variant Classification Sherloc (09022015). Collection method: clinical testing. Allele origin: germline.
Comment: This sequence change replaces phenylalanine, which is neutral and non-polar, with leucine, which is neutral and non-polar, at codon 942 of the ATP2B4 protein (p.Phe942Leu). This variant is not present in population databases (gnomAD no frequency). This variant has not been reported in the literature in individuals affected with ATP2B4-related conditions. Invitae Evidence Modeling of protein sequence and biophysical properties (such as structural, functional, and spatial information, amino acid conservation, physicochemical variation, residue mobility, and thermodynamic stability) indicates that this missense variant is not expected to disrupt ATP2B4 protein function with a negative predictive value of 80%. In summary, the available evidence is currently insufficient to determine the role of this variant in disease. Therefore, it has been classified as a Variant of Uncertain Significance.

NM_001684.5(ATP2B4):c.2824T>C (p.Phe942Leu)

Gene: ATP2B4 (ATPase plasma membrane Ca2+ transporting 4; plus strand). Cytogenetic location: 1q32.1.
Variant type: single nucleotide variant.
Coding change: c.2824T>C on transcript NM_001684.5 (MANE Select); coding-DNA position 2824, T replaced by C.
Protein change: p.Phe942Leu; replaces phenylalanine 942 with leucine.
Molecular consequence: missense variant.
Genome position (GRCh38, 1-based): chr1:203,722,489, T>C. VCF-style: chr1-203722489-T-C. GRCh37 (hg19) VCF-style: chr1-203691617-T-C.
Other names: c.2824T>C, p.Phe942Leu (NM_001001396.3, NM_001365783.2, NM_001365784.2); short protein forms F942L.
Identifiers: ClinVar variation 2728452 (VCV002728452.3), dbSNP rs1034437759, ClinGen allele CA35708612.